The following is an entry in ClinVar:

ClinVar aggregate classification (germline): Conflicting classifications of pathogenicity. Review status: criteria provided, conflicting classifications (1 of 4 stars). 5 submissions from 5 submitters: Uncertain significance (1); Likely benign (2). 2 of the submissions do not count toward it. Last evaluated 2026-09-01.

Conditions:
TET2-related disorder. Also called: TET2-related condition.

Allele frequency attached by ClinVar (database versions not stated): gnomAD 0.00137 and 0.00144; 1000 Genomes Project 0.00100; ESP Exome Variant Server 0.00108; 1000 Genomes Project 30x 0.00109; TOPMed 0.00110; gnomAD exomes 0.00122.
gnomAD v4.1: 1,981 of 1,613,938 alleles (0.12%); highest among the groups gnomAD compares: Non-Finnish European, 0.14%; 6 homozygotes.

Submissions (5):

CeGaT Center for Human Genetics Tuebingen
Classification: Likely benign. Last evaluated: 2026-09-01. Review status: criteria provided, single submitter. Criteria: CeGaT Center For Human Genetics Tuebingen Variant Classification Criteria Version 2. Collection method: clinical testing. Allele origin: germline. Affected: yes. Observed: 8 variant alleles.
Comment: TET2: BP4, BS2

Labcorp Genetics (formerly Invitae), Labcorp
Classification: Likely benign. Last evaluated: 2026-01-23. Review status: criteria provided, single submitter. Criteria: Invitae Variant Classification Sherloc (09022015). Collection method: clinical testing. Allele origin: germline.

Mendelics
Classification: Uncertain significance. Last evaluated: 2022-05-04. Review status: criteria provided, single submitter. Criteria: Mendelics Assertion Criteria 2019. Collection method: clinical testing. Allele origin: germline.

PreventionGenetics, part of Exact Sciences
Classification: Likely benign for TET2-related condition. Last evaluated: 2022-05-20. Review status: no assertion criteria provided. Collection method: clinical testing. Allele origin: germline. Not counted in ClinVar's aggregate classification.
Comment: This variant is classified as likely benign based on ACMG/AMP sequence variant interpretation guidelines (Richards et al. 2015 PMID: 25741868, with internal and published modifications).

ITMI
No classification provided. Condition: AllHighlyPenetrant. Last evaluated: 2013-09-19. Review status: no classification provided. Collection method: reference population. Allele origin: germline. Not counted in ClinVar's aggregate classification.
Comment: Please see associated publication for description of ethnicities

Literature cited by the submitters: PubMed 24728327 (cited by ITMI).

NM_001127208.3(TET2):c.521C>A (p.Pro174His)

Genes: TET2 (tet methylcytosine dioxygenase 2; plus strand), TET2-AS1 (TET2 antisense RNA 1; minus strand). Cytogenetic location: 4q24.
Variant type: single nucleotide variant.
Coding change: c.521C>A on transcript NM_001127208.3 (MANE Select); coding-DNA position 521, C replaced by A.
Protein change: p.Pro174His; replaces proline 174 with histidine.
Molecular consequence: missense variant.
Genome position (GRCh38, 1-based): chr4:105,234,463, C>A. VCF-style: chr4-105234463-C-A. GRCh37 (hg19) VCF-style: chr4-106155620-C-A.
Other names: c.521C>A (NM_001127208.2); c.521C>A, p.Pro174His (NM_017628.4); short protein forms P174H.
Identifiers: ClinVar variation 135315 (VCV000135315.38), dbSNP rs146031219, ClinGen allele CA162340.